The following is an entry in ClinVar:

NM_000350.3(ABCA4):c.6269C>A (p.Pro2090Gln)

Gene: ABCA4 (ATP binding cassette subfamily A member 4; minus strand). Cytogenetic location: 1p22.1.
Variant type: single nucleotide variant.
Coding change: c.6269C>A on transcript NM_000350.3 (MANE Select); coding-DNA position 6269, C replaced by A.
Protein change: p.Pro2090Gln; replaces proline 2090 with glutamine.
Molecular consequence: missense variant.
Genome position (GRCh38, 1-based): chr1:94,001,871, G>T on the plus strand (C>A on the coding strand, the complement: ABCA4 is on the minus strand). VCF-style: chr1-94001871-G-T. GRCh37 (hg19) VCF-style: chr1-94467427-G-T.
Other names: c.6047C>A, p.Pro2016Gln (NM_001425324.1); short protein forms P2090Q, P2016Q.
Identifiers: ClinVar variation 1999471 (VCV001999471.4), dbSNP rs533271864, ClinGen allele CA341278118.

ClinVar aggregate classification (germline): Uncertain significance (1 of 4 stars; one submission).

gnomAD v4.1: 5 of 1,614,114 alleles (0.00031%); highest among the groups gnomAD compares: African/African-American, 0.0027%; no homozygotes.

Submission:

Labcorp Genetics (formerly Invitae), Labcorp
Classification: Uncertain significance. Last evaluated: 2022-05-27. Review status: criteria provided, single submitter. Criteria: Invitae Variant Classification Sherloc (09022015). Collection method: clinical testing. Allele origin: germline.
Comment: This variant has not been reported in the literature in individuals affected with ABCA4-related conditions. This variant is present in population databases (no rsID available, gnomAD 0.01%). This sequence change replaces proline, which is neutral and non-polar, with glutamine, which is neutral and polar, at codon 2090 of the ABCA4 protein (p.Pro2090Gln). Algorithms developed to predict the effect of missense changes on protein structure and function (SIFT, PolyPhen-2, Align-GVGD) all suggest that this variant is likely to be disruptive. In summary, the available evidence is currently insufficient to determine the role of this variant in disease. Therefore, it has been classified as a Variant of Uncertain Significance.